The following is an entry in ClinVar:

ClinVar aggregate classification (germline): Uncertain significance (1 of 4 stars; one submission).

Conditions:
Inborn genetic diseases. Identifiers: MedGen C0950123, MeSH D030342.

Submission:

Ambry Genetics
Classification: Uncertain significance for Inborn genetic diseases. Last evaluated: 2026-06-02. Review status: criteria provided, single submitter. Criteria: Ambry Variant Classification Scheme 2023. Collection method: clinical testing. Allele origin: germline.
Comment: The p.H500D variant (also known as c.1498C>G), located in coding exon 7 of the SH2B3 gene, results from a C to G substitution at nucleotide position 1498. The histidine at codon 500 is replaced by aspartic acid, an amino acid with similar properties. This amino acid position is conserved. In addition, this alteration is predicted to be tolerated by in silico analysis. Based on the available evidence, the clinical significance of this variant remains unclear.

NM_005475.3(SH2B3):c.1498C>G (p.His500Asp)

Gene: SH2B3 (SH2B adaptor protein 3; plus strand). Cytogenetic location: 12q24.12.
Variant type: single nucleotide variant.
Coding change: c.1498C>G on transcript NM_005475.3 (MANE Select); coding-DNA position 1498, C replaced by G.
Protein change: p.His500Asp; replaces histidine 500 with aspartic acid.
Molecular consequence: missense variant.
Genome position (GRCh38, 1-based): chr12:111,448,072, C>G. VCF-style: chr12-111448072-C-G. GRCh37 (hg19) VCF-style: chr12-111885876-C-G.
Other names: c.892C>G, p.His298Asp (NM_001291424.1); short protein forms H298D, H500D.
Identifiers: ClinVar variation 4864460 (VCV004864460.1).